The following is an entry in ClinVar:

ClinVar aggregate classification (germline): Conflicting classifications of pathogenicity. Review status: criteria provided, conflicting classifications (1 of 4 stars). 8 submissions from 8 submitters: Uncertain significance (7); Likely benign (1). Last evaluated 2026-01-26.

Conditions:
Immunodeficiency 120. Identifiers: MedGen C5935622, MONDO:0970994, OMIM 620836.
POLD1-related polyposis and colorectal cancer syndrome (CRCS10). Also called: Colorectal cancer, susceptibility to, 10; Colorectal cancer 10; COLORECTAL CANCER, SUSCEPTIBILITY TO, ON CHROMOSOME 19q. Identifiers: Orphanet 220460, MedGen C2675481, MONDO:0012953, OMIM 612591.
Mandibular hypoplasia-deafness-progeroid syndrome. Also called: Mandibular hypoplasia, deafness, progeroid features, and lipodystrophy syndrome. Identifiers: Orphanet 363649, MedGen C3715192, MONDO:0014157, OMIM 615381.
Hereditary cancer-predisposing syndrome. Also called: Hereditary neoplastic syndrome; Tumor predisposition; Hereditary Cancer Syndrome; Neoplastic Syndromes, Hereditary. Identifiers: Orphanet 140162, MedGen C0027672, MeSH D009386, MONDO:0015356.

Allele frequency attached by ClinVar (database versions not stated): TOPMed 0.00002; ESP Exome Variant Server 0.00015.

Submissions (8):

Labcorp Genetics (formerly Invitae), Labcorp
Classification: Uncertain significance for POLD1-related polyposis and colorectal cancer syndrome. Last evaluated: 2026-01-26. Review status: criteria provided, single submitter. Criteria: Invitae Variant Classification Sherloc (09022015). Collection method: clinical testing. Allele origin: germline.
Comment: This sequence change replaces arginine, which is basic and polar, with histidine, which is basic and polar, at codon 211 of the POLD1 protein (p.Arg211His). This variant is present in population databases (rs373192520, gnomAD 0.01%). This variant has not been reported in the literature in individuals affected with POLD1-related conditions. ClinVar contains an entry for this variant (Variation ID: 439259). Invitae Evidence Modeling of protein sequence and biophysical properties (such as structural, functional, and spatial information, amino acid conservation, physicochemical variation, residue mobility, and thermodynamic stability) indicates that this missense variant is not expected to disrupt POLD1 protein function with a negative predictive value of 80%. In summary, the available evidence is currently insufficient to determine the role of this variant in disease. Therefore, it has been classified as a Variant of Uncertain Significance.

Center for Genomic Medicine, Rigshospitalet, Copenhagen University Hospital
Classification: Uncertain significance. Last evaluated: 2025-03-04. Review status: criteria provided, single submitter. Criteria: ACMG Guidelines, 2015. Collection method: clinical testing. Allele origin: germline.

Ambry Genetics
Classification: Uncertain significance for Hereditary cancer-predisposing syndrome. Last evaluated: 2024-12-04. Review status: criteria provided, single submitter. Criteria: Ambry Variant Classification Scheme 2023. Collection method: clinical testing. Allele origin: germline.
Comment: The p.R211H variant (also known as c.632G>A), located in coding exon 5 of the POLD1 gene, results from a G to A substitution at nucleotide position 632. The arginine at codon 211 is replaced by histidine, an amino acid with highly similar properties. This amino acid position is highly conserved in available vertebrate species. In addition, this alteration is predicted to be tolerated by in silico analysis. Based on the available evidence, the clinical significance of this variant remains unclear.

Fulgent Genetics
Classification: Uncertain significance for POLD1-related polyposis and colorectal cancer syndrome; Mandibular hypoplasia-deafness-progeroid syndrome; Immunodeficiency 120. Last evaluated: 2024-05-14. Review status: criteria provided, single submitter. Criteria: ACMG Guidelines, 2015. Collection method: clinical testing. Allele origin: germline.

GeneDx
Classification: Uncertain significance. Last evaluated: 2023-11-21. Review status: criteria provided, single submitter. Criteria: GeneDx Variant Classification Process June 2021. Collection method: clinical testing. Allele origin: germline. Affected: yes.
Comment: In silico analysis supports that this missense variant has a deleterious effect on protein structure/function; Has not been previously published as pathogenic or benign to our knowledge; This variant is associated with the following publications: (PMID: 26344056, 30279230, 31422818, 26438511)

CeGaT Center for Human Genetics Tuebingen
Classification: Likely benign. Last evaluated: 2023-10-01. Review status: criteria provided, single submitter. Criteria: CeGaT Center For Human Genetics Tuebingen Variant Classification Criteria Version 2. Collection method: clinical testing. Allele origin: germline. Affected: yes. Observed: 1 variant allele.
Comment: POLD1: BP4

Quest Diagnostics Nichols Institute San Juan Capistrano
Classification: Uncertain significance. Last evaluated: 2019-02-12. Review status: criteria provided, single submitter. Criteria: Quest Diagnostics criteria. Collection method: clinical testing. Allele origin: germline.

Laboratory for Molecular Medicine, Mass General Brigham Personalized Medicine
Classification: Uncertain significance. Last evaluated: 2016-12-28. Review status: criteria provided, single submitter. Criteria: LMM Criteria. Collection method: clinical testing. Allele origin: germline. Observed: 1 variant allele.
Comment: The p.Arg211His variant in POLD1 has not been previously reported in individuals with colorectal cancer, but has been identified in 8/63688 of European chromoso mes by the Exome Aggregation Consortium (ExAC; d bSNP rs373192520). Computational prediction tools and conservation analysis sugg est that the p.Arg211His variant may impact the protein, though this information is not predictive enough to determine pathogenicity. In summary, the clinical s ignificance of the p.Arg211His variant is uncertain.

Literature cited by the submitters: PubMed 31422818 (cited by Center for Genomic Medicine, Rigshospitalet, Copenhagen University Hospital); PubMed 26344056 (cited by Quest Diagnostics Nichols Institute San Juan Capistrano); PubMed 26438511 (cited by Quest Diagnostics Nichols Institute San Juan Capistrano).

NM_002691.4(POLD1):c.632G>A (p.Arg211His)

Gene: POLD1 (DNA polymerase delta 1, catalytic subunit; plus strand). Cytogenetic location: 19q13.33.
Variant type: single nucleotide variant.
Coding change: c.632G>A on transcript NM_002691.4 (MANE Select); coding-DNA position 632, G replaced by A.
Protein change: p.Arg211His; replaces arginine 211 with histidine.
Molecular consequence: missense variant. On other transcripts: non-coding transcript variant (1).
Genome position (GRCh38, 1-based): chr19:50,402,247, G>A. VCF-style: chr19-50402247-G-A. GRCh37 (hg19) VCF-style: chr19-50905504-G-A.
Other names: c.632G>A, p.Arg211His (NM_001256849.1, NM_001308632.1); c.632G>A (NM_002691.2); short protein forms R211H.
Identifiers: ClinVar variation 439259 (VCV000439259.56), dbSNP rs373192520, ClinGen allele CA9595841.